The following is an entry in ClinVar:

NM_018475.5(TMEM165):c.899-17T>A

Gene: TMEM165 (transmembrane protein 165; plus strand). Cytogenetic location: 4q12.
Variant type: single nucleotide variant.
Coding change: c.899-17T>A on transcript NM_018475.5 (MANE Select); 17 bases into the intron before coding-DNA position 899, T replaced by A.
Molecular consequence: intron variant.
Genome position (GRCh38, 1-based): chr4:55,425,359, T>A. VCF-style: chr4-55425359-T-A. GRCh37 (hg19) VCF-style: chr4-56291526-T-A.
Identifiers: ClinVar variation 384567 (VCV000384567.9), dbSNP rs200798470, ClinGen allele CA2925618.

ClinVar aggregate classification (germline): Likely benign. Review status: criteria provided, multiple submitters, no conflicts (2 of 4 stars). 2 submissions from 2 submitters: Likely benign (2). Last evaluated 2025-11-23.

Conditions:
TMEM165-congenital disorder of glycosylation. Also called: Congenital disorder of glycosylation type 2k; TMEM165-CDG; CDG IIk. Identifiers: Orphanet 314667, MedGen C3553571, MONDO:0013870, OMIM 614727.

Allele frequency attached by ClinVar (database versions not stated): gnomAD 0.00009 and 0.00011; 1000 Genomes Project 30x 0.00016; gnomAD exomes 0.00016; ExAC 0.00018; 1000 Genomes Project 0.00020; TOPMed 0.00022; ESP Exome Variant Server 0.00031.
gnomAD v4.1: 415 of 1,610,340 alleles (0.026%); highest among the groups gnomAD compares: Non-Finnish European, 0.034%; no homozygotes.

Submissions (2):

Labcorp Genetics (formerly Invitae), Labcorp
Classification: Likely benign for TMEM165-congenital disorder of glycosylation. Last evaluated: 2025-11-23. Review status: criteria provided, single submitter. Criteria: Invitae Variant Classification Sherloc (09022015). Collection method: clinical testing. Allele origin: germline.

GeneDx
Classification: Likely benign. Last evaluated: 2017-11-21. Review status: criteria provided, single submitter. Criteria: GeneDx Variant Classification (06012015). Collection method: clinical testing. Allele origin: germline. Affected: yes.
Comment: This variant is considered likely benign or benign based on one or more of the following criteria: it is a conservative change, it occurs at a poorly conserved position in the protein, it is predicted to be benign by multiple in silico algorithms, and/or has population frequency not consistent with disease.